The following is an entry in ClinVar:

ClinVar aggregate classification (germline): Conflicting classifications of pathogenicity. Review status: criteria provided, conflicting classifications (1 of 4 stars). 2 submissions from 2 submitters: Uncertain significance (1); Likely benign (1). Last evaluated 2024-03-05.

Conditions:
Cardiovascular phenotype. Identifiers: MedGen CN230736.
Arrhythmogenic right ventricular dysplasia 12. Also called: ARRHYTHMOGENIC RIGHT VENTRICULAR DYSPLASIA, FAMILIAL, 12. Identifiers: MedGen C1969081, MONDO:0012684, OMIM 611528.
Naxos disease (NXD). Also called: KERATOSIS PALMOPLANTARIS WITH ARRHYTHMOGENIC CARDIOMYOPATHY; MAL DE NAXOS; PALMOPLANTAR KERATODERMA WITH ARRHYTHMOGENIC RIGHT VENTRICULAR CARDIOMYOPATHY AND WOOLLY HAIR; WOOLLY HAIR, PALMOPLANTAR KERATODERMA, AND CARDIAC ABNORMALITIES; CARDIOMYOPATHY, ARRHYTHMOGENIC RIGHT VENTRICULAR, WITH SKIN, HAIR, AND NAIL ABNORMALITIES. Identifiers: Orphanet 34217, MedGen C1832600, MONDO:0011017, OMIM 601214.

Allele frequency attached by ClinVar (database versions not stated): gnomAD exomes 0.00001; TOPMed 0.00001; gnomAD 0.00002.
gnomAD v4.1: 19 of 1,613,946 alleles (0.0012%); highest among the groups gnomAD compares: Non-Finnish European, 0.0016%; no homozygotes.

Submissions (2):

Labcorp Genetics (formerly Invitae), Labcorp
Classification: Uncertain significance for Arrhythmogenic right ventricular dysplasia 12; Naxos disease. Last evaluated: 2024-03-05. Review status: criteria provided, single submitter. Criteria: Invitae Variant Classification Sherloc (09022015). Collection method: clinical testing. Allele origin: germline.
Comment: This sequence change replaces methionine, which is neutral and non-polar, with isoleucine, which is neutral and non-polar, at codon 575 of the JUP protein (p.Met575Ile). This variant is present in population databases (no rsID available, gnomAD 0.005%). This variant has not been reported in the literature in individuals affected with JUP-related conditions. ClinVar contains an entry for this variant (Variation ID: 1778853). An algorithm developed to predict the effect of missense changes on protein structure and function (PolyPhen-2) suggests that this variant is likely to be tolerated. In summary, the available evidence is currently insufficient to determine the role of this variant in disease. Therefore, it has been classified as a Variant of Uncertain Significance.

Ambry Genetics
Classification: Likely benign for Cardiovascular phenotype. Last evaluated: 2022-04-29. Review status: criteria provided, single submitter. Criteria: Ambry Variant Classification Scheme 2023. Collection method: clinical testing. Allele origin: germline.

NM_002230.4(JUP):c.1725G>T (p.Met575Ile)

Gene: JUP (junction plakoglobin; minus strand). Cytogenetic location: 17q21.2.
Variant type: single nucleotide variant.
Coding change: c.1725G>T on transcript NM_002230.4 (MANE Select); coding-DNA position 1725, G replaced by T.
Protein change: p.Met575Ile; replaces methionine 575 with isoleucine.
Molecular consequence: missense variant.
Genome position (GRCh38, 1-based): chr17:41,758,447, C>A on the plus strand (G>T on the coding strand, the complement: JUP is on the minus strand). VCF-style: chr17-41758447-C-A. GRCh37 (hg19) VCF-style: chr17-39914699-C-A.
Other names: c.1725G>T, p.Met575Ile (NM_001352773.2, NM_001352774.2, NM_001352775.2 and 3 more transcripts); short protein forms M575I.
Identifiers: ClinVar variation 1778853 (VCV001778853.7), dbSNP rs1206301205, ClinGen allele CA399492943.